The following is an entry in ClinVar:

NC_000005.9:g.(?_138117614)_(138163427_?)dup

Gene: CTNNA1 (catenin alpha 1; plus strand). Cytogenetic location: 5q31.2.
Variant type: Duplication.
Identifiers: ClinVar variation 3246479 (VCV003246479.1).

ClinVar aggregate classification (germline): Uncertain significance (1 of 4 stars; one submission).

Submission:

Labcorp Genetics (formerly Invitae), Labcorp
Classification: Uncertain significance. Last evaluated: 2024-01-11. Review status: criteria provided, single submitter. Criteria: Invitae Variant Classification Sherloc (09022015). Collection method: clinical testing. Allele origin: unknown.
Comment: This variant results in a copy number gain of the genomic region encompassing exon(s) 2-7 of the CTNNA1 gene. This region includes the initiator codon of the gene. This copy number gain extends beyond the assayed region for this gene and therefore may encompass additional genes. As the precise location of this event is unknown, it may be in tandem or it may be located elsewhere in the genome. This variant has not been reported in the literature in individuals affected with CTNNA1-related conditions. Experimental studies and prediction algorithms are not available or were not evaluated, and the functional significance of this variant is currently unknown. In summary, the available evidence is currently insufficient to determine the role of this variant in disease. Therefore, it has been classified as a Variant of Uncertain Significance.